The following is an entry in ClinVar:

NM_004628.5(XPC):c.2T>A (p.Met1Lys)

Genes: XPC (XPC complex subunit, DNA damage recognition and repair factor; minus strand), LOC129936244 (ATAC-STARR-seq lymphoblastoid active region 19500; plus strand). Cytogenetic location: 3p25.1.
Variant type: single nucleotide variant.
Coding change: c.2T>A on transcript NM_004628.5 (MANE Select); coding-DNA position 2, T replaced by A.
Protein change: p.Met1Lys; changes the start codon (methionine 1).
Molecular consequence: missense variant, initiator codon variant. On other transcripts: 5 prime UTR variant (1), non-coding transcript variant (2).
Genome position (GRCh38, 1-based): chr3:14,178,567, A>T on the plus strand (T>A on the coding strand, the complement: XPC is on the minus strand). VCF-style: chr3-14178567-A-T. GRCh37 (hg19) VCF-style: chr3-14220067-A-T.
Other names: c.-454T>A (NM_001354726.2); c.2T>A, p.Met1Lys (NM_001354727.2, NM_001354729.2, NM_001354730.2); short protein forms M1K.
Identifiers: ClinVar variation 1999807 (VCV001999807.5), dbSNP rs760324503, ClinGen allele CA351543952.

ClinVar aggregate classification (germline): Likely pathogenic (1 of 4 stars; one submission).

Submission:

Labcorp Genetics (formerly Invitae), Labcorp
Classification: Likely pathogenic. Last evaluated: 2022-05-28. Review status: criteria provided, single submitter. Criteria: Invitae Variant Classification Sherloc (09022015). Collection method: clinical testing. Allele origin: germline.
Comment: Algorithms developed to predict the effect of variants on protein structure and function are not available or were not evaluated for this variant. Experimental studies have shown that disruption of the initiator codon affects XPC function (PMID: 18955168). In summary, the currently available evidence indicates that the variant is pathogenic, but additional data are needed to prove that conclusively. Therefore, this variant has been classified as Likely Pathogenic. Disruption of the initiator codon has been observed in individuals with xeroderma pigmentosum (PMID: 18955168). This sequence change affects the initiator methionine of the XPC mRNA. The next in-frame methionine is located at codon 118. This variant is not present in population databases (gnomAD no frequency).

Literature cited by the submitters: PubMed 18955168.